The following is an entry in ClinVar:

ClinVar aggregate classification (germline): Likely pathogenic (1 of 4 stars; one submission).

Allele frequency attached by ClinVar (database versions not stated): gnomAD exomes below 0.00001.
gnomAD v4.1: 1 of 1,608,836 alleles (0.000062%); highest among the groups gnomAD compares: Non-Finnish European, 0.000085%; no homozygotes.

Submission:

GeneDx
Classification: Likely pathogenic. Last evaluated: 2024-02-16. Review status: criteria provided, single submitter. Criteria: GeneDx Variant Classification Process June 2021. Collection method: clinical testing. Allele origin: germline. Affected: yes.
Comment: Nonsense variant predicted to result in protein truncation or nonsense mediated decay in a gene for which loss of function is a known mechanism of disease; Not observed at significant frequency in large population cohorts (gnomAD); Has not been previously published as pathogenic or benign to our knowledge

NM_020937.4(FANCM):c.4438C>T (p.Gln1480Ter)

Gene: FANCM (FA complementation group M; plus strand). Cytogenetic location: 14q21.2.
Variant type: single nucleotide variant.
Coding change: c.4438C>T on transcript NM_020937.4 (MANE Select); coding-DNA position 4438, C replaced by T.
Protein change: p.Gln1480Ter; replaces glutamine 1480 with a stop codon.
Molecular consequence: nonsense.
Genome position (GRCh38, 1-based): chr14:45,183,825, C>T. VCF-style: chr14-45183825-C-T. GRCh37 (hg19) VCF-style: chr14-45653028-C-T.
Other names: c.4360C>T, p.Gln1454Ter (NM_001308133.2); short protein forms Q1454*, Q1480*.
Identifiers: ClinVar variation 3252364 (VCV003252364.1), dbSNP rs2503222098.